The following is an entry in ClinVar:

NM_000875.5(IGF1R):c.*4000C>T

Gene: IGF1R (insulin like growth factor 1 receptor; plus strand). Cytogenetic location: 15q26.3.
Variant type: single nucleotide variant.
Coding change: c.*4000C>T on transcript NM_000875.5 (MANE Select); 4000 bases downstream of the stop codon, C replaced by T.
Molecular consequence: 3 prime UTR variant.
Genome position (GRCh38, 1-based): chr15:98,961,442, C>T. VCF-style: chr15-98961442-C-T. GRCh37 (hg19) VCF-style: chr15-99504671-C-T.
Other names: c.*4000C>T (NM_001291858.2).
Identifiers: ClinVar variation 317570 (VCV000317570.9), dbSNP rs1815009, ClinGen allele CA10647590.
Genomic context (GRCh38, chr15:98,961,442, plus strand): 5'-CAAATGCTTCAGAAACACCTCAATAAAAGAGAAAACTTGGCTTGTGTGATGGTGCAGTCA[C>T]TTTACTGGACCAACCCACCCACCTTGACTATACCAAGGCATCATCTATCCACAGTTCTAG-3'

ClinVar aggregate classification (germline): Benign. Review status: criteria provided, multiple submitters, no conflicts (2 of 4 stars). 3 submissions from 3 submitters: Benign (3). Last evaluated 2019-10-16.

Conditions:
Growth delay due to insulin-like growth factor I resistance. Also called: Somatomedin end-organ insensitivity to; Somatomedin-c resistance to; IGF-1 resistance; IGF-I RESISTANCE; Insulin-Like Growth Factor I Resistance. Identifiers: Orphanet 73273, MedGen C1849157, MONDO:0010038, OMIM 270450.

Allele frequency attached by ClinVar (database versions not stated): 1000 Genomes Project 30x 0.58448; 1000 Genomes Project 0.59046; TOPMed 0.63299; gnomAD 0.65160 and 0.65354; gnomAD exomes 0.70378.
gnomAD v4.1: 156,337 of 233,136 alleles (67%); highest among the groups gnomAD compares: Non-Finnish European, 75%; 53,938 homozygotes.

Submissions (3):

GeneDx
Classification: Benign. Last evaluated: 2019-10-16. Review status: criteria provided, single submitter. Criteria: GeneDx Variant Classification Process June 2021. Collection method: clinical testing. Allele origin: germline. Affected: yes.
Comment: This variant is associated with the following publications: (PMID: 30365147)

Illumina Laboratory Services, Illumina
Classification: Benign for Growth delay due to insulin-like growth factor I resistance. Last evaluated: 2018-01-13. Review status: criteria provided, single submitter. Criteria: ICSL Variant Classification Criteria 13 December 2019. Collection method: clinical testing. Allele origin: germline.
Comment: This variant was observed in the ICSL laboratory as part of a predisposition screen in an ostensibly healthy population. It had not been previously curated by ICSL or reported in the Human Gene Mutation Database (HGMD: prior to June 1st, 2018), and was therefore a candidate for classification through an automated scoring system. Utilizing variant allele frequency, disease prevalence and penetrance estimates, and inheritance mode, an automated score was calculated to assess if this variant is too frequent to cause the disease. Based on the score and internal cut-off values, a variant classified as benign is not then subjected to further curation. The score for this variant resulted in a classification of benign for this disease.

Breakthrough Genomics
Classification: Benign. Review status: criteria provided, single submitter. Criteria: ACMG Guidelines, 2015. Collection method: not provided. Allele origin: germline. Inheritance: Autosomal dominant inheritance. Affected: yes.